The following is an entry in ClinVar:

NM_020207.7(ERCC6L2):c.1099T>C (p.Trp367Arg)

Gene: ERCC6L2 (ERCC excision repair 6 like 2; plus strand). Cytogenetic location: 9q22.32.
Variant type: single nucleotide variant.
Coding change: c.1099T>C on transcript NM_020207.7 (MANE Select); coding-DNA position 1099, T replaced by C.
Protein change: p.Trp367Arg; replaces tryptophan 367 with arginine.
Molecular consequence: missense variant. On other transcripts: non-coding transcript variant (1).
Genome position (GRCh38, 1-based): chr9:95,916,375, T>C. VCF-style: chr9-95916375-T-C. GRCh37 (hg19) VCF-style: chr9-98678657-T-C.
Other names: c.1132T>C (NM_001010895.2); c.1099T>C, p.Trp367Arg (NM_001010895.4, NM_001375291.1, NM_001375292.1 and 2 more transcripts); short protein forms W367R.
Identifiers: ClinVar variation 1047574 (VCV001047574.12), dbSNP rs200807189, ClinGen allele CA5139454.

ClinVar aggregate classification (germline): Uncertain significance. Review status: criteria provided, multiple submitters, no conflicts (2 of 4 stars). 6 submissions from 6 submitters: Uncertain significance (6). Last evaluated 2025-01-28.

Conditions:
Inborn genetic diseases. Identifiers: MedGen C0950123, MeSH D030342.
Pancytopenia-developmental delay syndrome. Also called: Bone marrow failure syndrome 2. Identifiers: Orphanet 401764, MedGen C3810350, MONDO:0014317, OMIM 615715.

Allele frequency attached by ClinVar (database versions not stated): gnomAD exomes 0.00005 and 0.00007; gnomAD 0.00042; ExAC 0.00005; 1000 Genomes Project 30x 0.00078; 1000 Genomes Project 0.00080; TOPMed 0.00093.
gnomAD v4.1: 148 of 1,609,404 alleles (0.0092%); highest among the groups gnomAD compares: Admixed American, 0.15%; no homozygotes.

Submissions (6):

GeneDx
Classification: Uncertain significance. Last evaluated: 2025-01-28. Review status: criteria provided, single submitter. Criteria: GeneDx Variant Classification Process June 2021. Collection method: clinical testing. Allele origin: germline. Affected: yes.
Comment: In silico analysis supports that this missense variant has a deleterious effect on protein structure/function; Has not been previously published as pathogenic or benign to our knowledge

Blueprint Genetics
Classification: Uncertain significance. Last evaluated: 2024-09-23. Review status: criteria provided, single submitter. Criteria: ACMG Guidelines, 2015. Collection method: clinical testing. Allele origin: germline.

Labcorp Genetics (formerly Invitae), Labcorp
Classification: Uncertain significance. Last evaluated: 2024-01-25. Review status: criteria provided, single submitter. Criteria: Invitae Variant Classification Sherloc (09022015). Collection method: clinical testing. Allele origin: germline.
Comment: This sequence change replaces tryptophan, which is neutral and slightly polar, with arginine, which is basic and polar, at codon 378 of the ERCC6L2 protein (p.Trp378Arg). This variant is present in population databases (rs200807189, gnomAD 0.02%). This variant has not been reported in the literature in individuals affected with ERCC6L2-related conditions. ClinVar contains an entry for this variant (Variation ID: 1047574). Experimental studies and prediction algorithms are not available or were not evaluated, and the functional significance of this variant is currently unknown. In summary, the available evidence is currently insufficient to determine the role of this variant in disease. Therefore, it has been classified as a Variant of Uncertain Significance.

Fulgent Genetics
Classification: Uncertain significance for Pancytopenia-developmental delay syndrome. Last evaluated: 2022-05-13. Review status: criteria provided, single submitter. Criteria: ACMG Guidelines, 2015. Collection method: clinical testing. Allele origin: unknown.

Genetic Services Laboratory, University of Chicago
Classification: Uncertain significance. Last evaluated: 2021-11-22. Review status: criteria provided, single submitter. Criteria: ACMG Guidelines, 2015. Collection method: clinical testing. Allele origin: germline. Affected: no.
Comment: DNA sequence analysis of the ERCC6L2 gene demonstrated a sequence change, c.1132T>C, in exon 6 that results in an amino acid change, p.Trp378Arg. This sequence change has been described in the gnomAD database with a frequency of 0.024% in the Latino/admixed American subpopulation (dbSNP rs200807189). The p.Trp378Arg change affects a poorly conserved amino acid residue located in a domain of the ERCC6L2 protein that is not known to be functional. In-silico pathogenicity prediction tools (SIFT, PolyPhen2, Align GVGD, REVEL) provide contradictory results for the p.Trp378Arg substitution. This sequence change does not appear to have been previously described in individuals with ERCC6L2-related disorders. Due to insufficient evidences and the lack of functional studies, the clinical significance of the p.Trp378Arg change remains unknown at this time.

Ambry Genetics
Classification: Uncertain significance for Inborn genetic diseases. Last evaluated: 2021-06-22. Review status: criteria provided, single submitter. Criteria: Ambry Variant Classification Scheme 2023. Collection method: clinical testing. Allele origin: germline.